The following is an entry in ClinVar:

NM_000051.4(ATM):c.3903G>A (p.Glu1301=)

Gene: ATM (ATM serine/threonine kinase; plus strand). Cytogenetic location: 11q22.3.
Variant type: single nucleotide variant.
Coding change: c.3903G>A on transcript NM_000051.4 (MANE Select); coding-DNA position 3903, G replaced by A.
Protein change: p.Glu1301=; no amino-acid change (glutamic acid 1301 retained).
Molecular consequence: synonymous variant.
Genome position (GRCh38, 1-based): chr11:108,284,383, G>A. VCF-style: chr11-108284383-G-A. GRCh37 (hg19) VCF-style: chr11-108155110-G-A.
Other names: c.3903G>A, p.Glu1301= (NM_001351834.2).
Identifiers: ClinVar variation 3618661 (VCV003618661.4).

ClinVar aggregate classification (germline): Conflicting classifications of pathogenicity. Review status: criteria provided, conflicting classifications (1 of 4 stars). 3 submissions from 3 submitters: Uncertain significance (2); Likely benign (1). Last evaluated 2026-05-27.

Conditions:
Hereditary cancer-predisposing syndrome. Also called: Hereditary neoplastic syndrome; Tumor predisposition; Hereditary Cancer Syndrome; Neoplastic Syndromes, Hereditary. Identifiers: Orphanet 140162, MedGen C0027672, MeSH D009386, MONDO:0015356.
Ataxia-telangiectasia syndrome (AT). Also called: LOUIS-BAR SYNDROME; Cerebello-oculocutaneous telangiectasia; Immunodeficiency with ataxia telangiectasia; Ataxia-telangiectasia, complementation group D; AT, COMPLEMENTATION GROUP C; ATAXIA-TELANGIECTASIA, COMPLEMENTATION GROUP A. Identifiers: Orphanet 100, MedGen C0004135, MONDO:0008840, OMIM 208900.

Submissions (3):

Ambry Genetics
Classification: Uncertain significance for Hereditary cancer-predisposing syndrome. Last evaluated: 2026-05-27. Review status: criteria provided, single submitter. Criteria: Ambry Variant Classification Scheme 2023. Collection method: clinical testing. Allele origin: germline.
Comment: The c.3903G>A variant (also known as p.E1301E), located in coding exon 25 of the ATM gene, results from a G to A substitution at nucleotide position 3903. This nucleotide substitution does not change the amino acid at codon 1301. This nucleotide position is not well conserved in available vertebrate species. In silico splice site analysis predicts that this alteration will result in the creation or strengthening of a novel splice acceptor site. Based on the available evidence, the clinical significance of this variant remains unclear.

Women's Health and Genetics/Laboratory Corporation of America, LabCorp
Classification: Likely benign. Last evaluated: 2025-10-31. Review status: criteria provided, single submitter. Criteria: LabCorp Variant Classification Summary - May 2015. Collection method: clinical testing. Allele origin: germline.

Labcorp Genetics (formerly Invitae), Labcorp
Classification: Uncertain significance for Ataxia-telangiectasia syndrome. Last evaluated: 2024-12-25. Review status: criteria provided, single submitter. Criteria: Invitae Variant Classification Sherloc (09022015). Collection method: clinical testing. Allele origin: germline.
Comment: This sequence change affects codon 1301 of the ATM mRNA. It is a 'silent' change, meaning that it does not change the encoded amino acid sequence of the ATM protein. This variant is not present in population databases (gnomAD no frequency). This variant has not been reported in the literature in individuals affected with ATM-related conditions. Algorithms developed to predict the effect of sequence changes on RNA splicing suggest that this variant may create or strengthen a splice site. In summary, the available evidence is currently insufficient to determine the role of this variant in disease. Therefore, it has been classified as a Variant of Uncertain Significance.